The following is an entry in ClinVar:

NM_025227.3(BPIFB2):c.50T>A (p.Val17Glu)

Gene: BPIFB2 (BPI fold containing family B member 2; plus strand). Cytogenetic location: 20q11.21.
Variant type: single nucleotide variant.
Coding change: c.50T>A on transcript NM_025227.3 (MANE Select); coding-DNA position 50, T replaced by A.
Protein change: p.Val17Glu; replaces valine 17 with glutamic acid.
Molecular consequence: missense variant.
Genome position (GRCh38, 1-based): chr20:33,008,624, T>A. VCF-style: chr20-33008624-T-A. GRCh37 (hg19) VCF-style: chr20-31596430-T-A.
Other names: NC_000020.10:g.31596430T>A; short protein forms V17E.
Identifiers: ClinVar variation 2652260 (VCV002652260.25), dbSNP rs149889663, ClinGen allele CA9812087.
Genomic context (GRCh38, chr20:33,008,624, plus strand): 5'-CCAGGGCAGCCATGGCTTGGGCAAGTAGGCTGGGCCTGCTGCTGGCACTGCTGCTGCCCG[T>A]GGTCGGTGCCTCCACGCCAGGCACCGTGGTCCGACTCAACAAGGCAGCATTGAGCTACGG-3'
Protein context (NP_079503.1, residues 7-27): LGLLLALLLP[Val17Glu]VGASTPGTVV

ClinVar aggregate classification (germline): Likely benign (1 of 4 stars; one submission).

Allele frequency attached by ClinVar (database versions not stated): 1000 Genomes Project 30x 0.00344; 1000 Genomes Project 0.00379; ESP Exome Variant Server 0.00461.
gnomAD v4.1: 7,963 of 1,607,478 alleles (0.5%); highest among the groups gnomAD compares: Middle Eastern, 2.9%; 36 homozygotes.

Submissions (2):

CeGaT Center for Human Genetics Tuebingen
Classification: Likely benign. Last evaluated: 2023-01-01. Review status: criteria provided, single submitter. Criteria: CeGaT Center For Human Genetics Tuebingen Variant Classification Criteria Version 2. Collection method: clinical testing. Allele origin: germline. Affected: yes. Observed: 1 variant allele.
Comment: BPIFB2: BP4, BS2

Dr. Peter K. Rogan Lab, Western University
No classification provided (evidence only). Condition: Cervical cancer. Review status: no classification provided. Collection method: in vitro. Allele origin: not applicable. Functional consequence: retained intron. Not counted in ClinVar's aggregate classification.